The following is an entry in ClinVar:

ClinVar aggregate classification (germline): Pathogenic. Review status: criteria provided, multiple submitters, no conflicts (2 of 4 stars). 6 submissions from 6 submitters: Pathogenic (5). 1 of the submissions does not count toward it. Last evaluated 2026-06-24.

Conditions:
EXT2-related disorder. Also called: EXT2-related condition.
Exostoses, multiple, type 2 (EXT2). Also called: EXOSTOSES, MULTIPLE, TYPE II; Hereditary Multiple Osteochondromatosis, Type II. Identifiers: Orphanet 321, MedGen C1851413, MONDO:0007586, OMIM 133701.

Submissions (6):

PreventionGenetics, part of Exact Sciences
Classification: Pathogenic for EXT2-related condition. Last evaluated: 2026-06-24. Review status: criteria provided, single submitter. Criteria: ACMG Guidelines, 2015. Collection method: clinical testing. Allele origin: germline.
Comment: The EXT2 c.744-2A>C variant is predicted to disrupt the AG splice acceptor site and interfere with normal splicing. This variant has been reported in an individual with multiple osteochondromas (Heinritz et al. 2009. PubMed ID: 19344451). This variant has not been reported in a large population database (gnomAD), indicating this variant is rare. Variants that disrupt the consensus splice acceptor site in EXT2 are expected to be pathogenic. This variant is interpreted as pathogenic.

GeneDx
Classification: Pathogenic. Last evaluated: 2026-02-23. Review status: criteria provided, single submitter. Criteria: GeneDx Variant Classification Process June 2021. Collection method: clinical testing. Allele origin: germline.
Comment: Observed in a patient with hereditary multiple exostoses in published literature (PMID: 19344451); Canonical splice site variant predicted to result in a null allele in a gene for which loss of function is a known mechanism of disease; Not observed at significant frequency in large population cohorts (gnomAD); This variant is associated with the following publications: (PMID: 19810120, 19344451)

Labcorp Genetics (formerly Invitae), Labcorp
Classification: Pathogenic for Exostoses, multiple, type 2. Last evaluated: 2023-04-24. Review status: criteria provided, single submitter. Criteria: Invitae Variant Classification Sherloc (09022015). Collection method: clinical testing. Allele origin: germline.
Comment: Disruption of this splice site has been observed in individual(s) with hereditary multiple osteochondromatosis (PMID: 19344451; Invitae). For these reasons, this variant has been classified as Pathogenic. Studies have shown that disruption of this splice site is associated with altered splicing resulting in multiple RNA products (PMID: 19344451). ClinVar contains an entry for this variant (Variation ID: 2477). This variant is not present in population databases (gnomAD no frequency). This sequence change affects an acceptor splice site in intron 4 of the EXT2 gene. It is expected to disrupt RNA splicing. Variants that disrupt the donor or acceptor splice site typically lead to a loss of protein function (PMID: 16199547), and loss-of-function variants in EXT2 are known to be pathogenic (PMID: 10679937, 19810120).

Breda Genetics srl
Classification: Pathogenic for Exostoses, multiple, type 2. Last evaluated: 2019-03-01. Review status: criteria provided, single submitter. Criteria: ACMG Guidelines, 2015. Collection method: clinical testing. Allele origin: germline. Inheritance: Autosomal dominant inheritance. Affected: yes. Observed: 1 variant allele, 1 heterozygote.
Comment: The variant c.843-2A>C in the EXT2 gene is reported as pathogenic for multiple exostoses type 2 in ClinVar (Variation ID: 2477). This nucleotide substitution results in two different skipping events: either only exon 5 or exons 5 and 6. Loss of exon 5 results in a frameshift with premature termination 18 amino acids downstream (p.Pro249Argfs*18), while loss of exons 5 and 6 leads to the in-frame deletion p.Pro249_Arg360del (PMID: 19344451). This variant has not been reported in gnomAD, 1000 Genomes, NHLI Exome Sequencing Project (ESP), or LOVD database v.3.0.

Clinical Genetics Service, Universitary Hospital 12 de Octubre
Classification: Pathogenic for Exostoses, multiple, type 2. Review status: criteria provided, single submitter. Criteria: ACMG Guidelines, 2015. Collection method: clinical testing. Allele origin: germline. Affected: yes.

OMIM
Classification: Pathogenic for EXOSTOSES, MULTIPLE, TYPE II. Last evaluated: 2009-05-01. Review status: no assertion criteria provided. Collection method: literature only. Allele origin: germline. Not counted in ClinVar's aggregate classification.

Literature cited by the submitters: PubMed 19344451 (cited by Labcorp Genetics (formerly Invitae), Labcorp and OMIM); PubMed 16199547 (cited by Labcorp Genetics (formerly Invitae), Labcorp); PubMed 10679937 (cited by Labcorp Genetics (formerly Invitae), Labcorp); PubMed 19810120 (cited by Labcorp Genetics (formerly Invitae), Labcorp).

NM_207122.2(EXT2):c.744-2A>C

Gene: EXT2 (exostosin glycosyltransferase 2; plus strand). Cytogenetic location: 11p11.2.
Variant type: single nucleotide variant.
Coding change: c.744-2A>C on transcript NM_207122.2 (MANE Select); the canonical splice acceptor site of the intron before coding-DNA position 744, A replaced by C.
Molecular consequence: splice acceptor variant.
Genome position (GRCh38, 1-based): chr11:44,124,787, A>C. VCF-style: chr11-44124787-A-C. GRCh37 (hg19) VCF-style: chr11-44146337-A-C.
Other names: IVS4AS, A-C, -2; c.744-2A>C (NM_001389630.1, NM_001178083.3, NM_001389628.1); c.843-2A>C (NM_000401.3).
Identifiers: ClinVar variation 2477 (VCV000002477.19), dbSNP rs864309638, ClinGen allele CA278579.